The following is an entry in ClinVar:

ClinVar aggregate classification (germline): Uncertain significance (1 of 4 stars; one submission).

Conditions:
SRCAP-related disorder. Also called: SRCAP-related condition.

Allele frequency attached by ClinVar (database versions not stated): gnomAD exomes 0.00001; TOPMed 0.00001.
gnomAD v4.1: 7 of 1,607,068 alleles (0.00044%); highest among the groups gnomAD compares: Non-Finnish European, 0.0006%; no homozygotes.

Submission:

PreventionGenetics, part of Exact Sciences
Classification: Uncertain significance for SRCAP-related condition. Last evaluated: 2022-08-22. Review status: criteria provided, single submitter. Criteria: ACMG Guidelines, 2015. Collection method: clinical testing. Allele origin: germline.
Comment: The SRCAP c.8456C>T variant is predicted to result in the amino acid substitution p.Thr2819Ile. To our knowledge, this variant has not been reported in the literature. This variant is reported in 0.0016% of alleles in individuals of European (Non-Finnish) descent in gnomAD. At this time, the clinical significance of this variant is uncertain due to the absence of conclusive functional and genetic evidence.

NM_006662.3(SRCAP):c.8456C>T (p.Thr2819Ile)

Gene: SRCAP (Snf2 related CREBBP activator protein; plus strand). Cytogenetic location: 16p11.2.
Variant type: single nucleotide variant.
Coding change: c.8456C>T on transcript NM_006662.3 (MANE Select); coding-DNA position 8456, C replaced by T.
Protein change: p.Thr2819Ile; replaces threonine 2819 with isoleucine.
Molecular consequence: missense variant.
Genome position (GRCh38, 1-based): chr16:30,738,496, C>T. VCF-style: chr16-30738496-C-T. GRCh37 (hg19) VCF-style: chr16-30749817-C-T.
Other names: short protein forms T2819I.
Identifiers: ClinVar variation 2635932 (VCV002635932.1), dbSNP rs1297031168, ClinGen allele CA395637633.